The following is an entry in ClinVar:

ClinVar aggregate classification (germline): Uncertain significance (1 of 4 stars; one submission).

Conditions:
Dilated cardiomyopathy 1JJ (CMD1JJ). Identifiers: Orphanet 154, MedGen C3808935, MONDO:0014095, OMIM 615235.

Allele frequency attached by ClinVar (database versions not stated): TOPMed 0.00001; gnomAD 0.00003.
gnomAD v4.1: 11 of 1,561,888 alleles (0.0007%); highest among the groups gnomAD compares: Admixed American, 0.01%; no homozygotes.

Submission:

Labcorp Genetics (formerly Invitae), Labcorp
Classification: Uncertain significance for Dilated cardiomyopathy 1JJ. Last evaluated: 2025-04-09. Review status: criteria provided, single submitter. Criteria: Invitae Variant Classification Sherloc (09022015). Collection method: clinical testing. Allele origin: germline.
Comment: This sequence change falls in intron 9 of the LAMA4 gene. It does not directly change the encoded amino acid sequence of the LAMA4 protein. This variant is not present in population databases (gnomAD no frequency). This variant has not been reported in the literature in individuals affected with LAMA4-related conditions. ClinVar contains an entry for this variant (Variation ID: 2200668). Algorithms developed to predict the effect of sequence changes on RNA splicing suggest that this variant may disrupt the consensus splice site. In summary, the available evidence is currently insufficient to determine the role of this variant in disease. Therefore, it has been classified as a Variant of Uncertain Significance.

NM_001105206.3(LAMA4):c.1078-13G>A

Gene: LAMA4 (laminin subunit alpha 4; minus strand). Cytogenetic location: 6q21.
Variant type: single nucleotide variant.
Coding change: c.1078-13G>A on transcript NM_001105206.3 (MANE Select); 13 bases into the intron before coding-DNA position 1078, G replaced by A.
Molecular consequence: intron variant.
Genome position (GRCh38, 1-based): chr6:112,178,245, C>T on the plus strand (G>A on the coding strand, the complement: LAMA4 is on the minus strand). VCF-style: chr6-112178245-C-T. GRCh37 (hg19) VCF-style: chr6-112499447-C-T.
Other names: c.1057-13G>A (NM_002290.5, NM_001105207.3).
Identifiers: ClinVar variation 2200668 (VCV002200668.4), dbSNP rs1351713646, ClinGen allele CA817318517.